The following is an entry in ClinVar:

NC_000016.9:g.(?_169105)_(188266_?)del

Gene: NPRL3 (NPR3 like, GATOR1 complex subunit; minus strand). Cytogenetic location: 16p13.3.
Variant type: Deletion.
Identifiers: ClinVar variation 1418021 (VCV001418021.4).

ClinVar aggregate classification (germline): Pathogenic (1 of 4 stars; one submission).

Conditions:
Epilepsy, familial focal, with variable foci 3 (FFEVF3). Identifiers: MedGen C4310708, MONDO:0014925, OMIM 617118.

Submission:

Labcorp Genetics (formerly Invitae), Labcorp
Classification: Pathogenic for Epilepsy, familial focal, with variable foci 3. Last evaluated: 2023-08-04. Review status: criteria provided, single submitter. Criteria: Invitae Variant Classification Sherloc (09022015). Collection method: clinical testing. Allele origin: germline.
Comment: This variant is a gross deletion of the genomic region encompassing exon(s) 2-4 of the NPRL3 gene, which includes the initiator codon. This deletion extends beyond the assayed region for this gene and therefore may encompass additional genes. It is expected to result in an absent or disrupted protein product. Loss-of-function variants in NPRL3 are known to be pathogenic (PMID: 26285051, 26505888). This variant has not been reported in the literature in individuals affected with NPRL3-related conditions. For these reasons, this variant has been classified as Pathogenic.

Literature cited by the submitters: PubMed 26285051; PubMed 26505888.